The following is an entry in ClinVar:

NM_000238.4(KCNH2):c.307+4G>A

Gene: KCNH2 (potassium voltage-gated channel subfamily H member 2; minus strand). Cytogenetic location: 7q36.1.
Variant type: single nucleotide variant.
Coding change: c.307+4G>A on transcript NM_000238.4 (MANE Select); 4 bases into the intron after coding-DNA position 307, G replaced by A.
Molecular consequence: intron variant.
Genome position (GRCh38, 1-based): chr7:150,974,707, C>T on the plus strand (G>A on the coding strand, the complement: KCNH2 is on the minus strand). VCF-style: chr7-150974707-C-T. GRCh37 (hg19) VCF-style: chr7-150671795-C-T.
Other names: c.307+4G>A (NM_172056.3); c.130+4G>A (NM_001406755.1).
Identifiers: ClinVar variation 645323 (VCV000645323.8), dbSNP rs751253233, ClinGen allele CA036583.

ClinVar aggregate classification (germline): Uncertain significance (1 of 4 stars; one submission).

Conditions:
Long QT syndrome (LQTS). Identifiers: MedGen C0023976, MeSH D008133, MONDO:0002442. Disease mechanism: loss of function. Inheritance: Various modes of inheritance.

Allele frequency attached by ClinVar (database versions not stated): ExAC below 0.00001; gnomAD exomes 0.00001; TOPMed 0.00001.
gnomAD v4.1: 13 of 1,589,428 alleles (0.00082%); highest among the groups gnomAD compares: Non-Finnish European, 0.00094%; no homozygotes.

Submission:

Labcorp Genetics (formerly Invitae), Labcorp
Classification: Uncertain significance for Long QT syndrome. Last evaluated: 2025-07-29. Review status: criteria provided, single submitter. Criteria: Invitae Variant Classification Sherloc (09022015). Collection method: clinical testing. Allele origin: germline.
Comment: This sequence change falls in intron 2 of the KCNH2 gene. It does not directly change the encoded amino acid sequence of the KCNH2 protein. It affects a nucleotide within the consensus splice site. This variant is not present in population databases (gnomAD no frequency). This variant has not been reported in the literature in individuals affected with KCNH2-related conditions. ClinVar contains an entry for this variant (Variation ID: 645323). Variants that disrupt the consensus splice site are a relatively common cause of aberrant splicing (PMID: 17576681, 9536098). Algorithms developed to predict the effect of sequence changes on RNA splicing suggest that this variant is not likely to affect RNA splicing. In summary, the available evidence is currently insufficient to determine the role of this variant in disease. Therefore, it has been classified as a Variant of Uncertain Significance.

Literature cited by the submitters: PubMed 17576681; PubMed 9536098.